The following is an entry in ClinVar:

NM_001206927.2(DNAH8):c.11586_11589del (p.Ile3864fs)

Genes: DNAH8 (dynein axonemal heavy chain 8; plus strand), DNAH8-AS1 (DNAH8 antisense RNA 1; minus strand). Cytogenetic location: 6p21.2.
Variant type: Microsatellite.
Coding change: c.11586_11589del on transcript NM_001206927.2 (MANE Select); coding-DNA positions 11586 to 11589, 4 bases deleted (TCTC; older notation c.11586_11589delTCTC).
Protein change: p.Ile3864fs; shifts the reading frame from isoleucine 3864.
Molecular consequence: frameshift variant.
Genome position (GRCh38, 1-based): chr6:38,937,996-38,937,999, TCTC deleted; deleting any 4 consecutive bases within chr6:38,937,994-38,937,999 gives the same sequence; the c. name uses the placement nearest the transcript's 3' end. VCF-style (leftmost placement, unchanged base first): chr6-38937993-ATCTC-A. GRCh37 (hg19) VCF-style: chr6-38905769-ATCTC-A.
Other names: c.10935_10938del, p.Ile3647fs (NM_001371.4); short protein forms I3647fs, I3864fs.
Identifiers: ClinVar variation 3649089 (VCV003649089.2).
Genomic context (GRCh38, chr6:38,937,993, plus strand): 5'-TCCCGTCTTGTGTACTACGGTTTTCCTGTTTTGAATTTCAGGCTCATTGGTAGATGACGA[ATCTC>A]TCATTGGTGTACTTCGAACTACCAAGCAGACAGCAGCTGAGGTAAGTGAAAAGTTGCATG-3'

ClinVar aggregate classification (germline): Pathogenic (1 of 4 stars; one submission).

Conditions:
Primary ciliary dyskinesia. Also called: Ciliary dyskinesia. Identifiers: Orphanet 244, MedGen C0008780, MONDO:0016575, HP:0012265.

Submission:

Labcorp Genetics (formerly Invitae), Labcorp
Classification: Pathogenic for Primary ciliary dyskinesia. Last evaluated: 2024-04-07. Review status: criteria provided, single submitter. Criteria: Invitae Variant Classification Sherloc (09022015). Collection method: clinical testing. Allele origin: germline.
Comment: This sequence change creates a premature translational stop signal (p.Ile3864Valfs*13) in the DNAH8 gene. It is expected to result in an absent or disrupted protein product. Loss-of-function variants in DNAH8 are known to be pathogenic (PMID: 24307375, 32619401, 32681648). This variant is not present in population databases (gnomAD no frequency). This variant has not been reported in the literature in individuals affected with DNAH8-related conditions. For these reasons, this variant has been classified as Pathogenic.

Literature cited by the submitters: PubMed 24307375; PubMed 32619401; PubMed 32681648.